The following is an entry in ClinVar:

NM_001199107.2(TBC1D24):c.1393G>A (p.Ala465Thr)

Gene: TBC1D24 (TBC1 domain family member 24; plus strand). Cytogenetic location: 16p13.3.
Variant type: single nucleotide variant.
Coding change: c.1393G>A on transcript NM_001199107.2 (MANE Select); coding-DNA position 1393, G replaced by A.
Protein change: p.Ala465Thr; replaces alanine 465 with threonine.
Molecular consequence: missense variant.
Genome position (GRCh38, 1-based): chr16:2,500,358, G>A. VCF-style: chr16-2500358-G-A. GRCh37 (hg19) VCF-style: chr16-2550359-G-A.
Other names: c.1375G>A, p.Ala459Thr (NM_020705.3); short protein forms A465T, A459T.
Identifiers: ClinVar variation 969480 (VCV000969480.11), dbSNP rs745535369, ClinGen allele CA7844283.

ClinVar aggregate classification (germline): Uncertain significance. Review status: criteria provided, multiple submitters, no conflicts (2 of 4 stars). 2 submissions from 2 submitters: Uncertain significance (2). Last evaluated 2025-11-25.

Conditions:
Developmental and epileptic encephalopathy, 1 (DEE1). Also called: X-linked infantile spasms; West's syndrome; Tonic spasms with clustering, arrest of psychomotor development and hypsarrhythmia on EEG; X-Linked Infantile Spasm Syndrome; OHTAHARA SYNDROME, X-LINKED; Epileptic encephalopathy, early infantile, 1. Identifiers: MedGen C3463992, MONDO:0010632, OMIM 308350. Disease mechanism: loss of function.
Autosomal dominant nonsyndromic hearing loss 65. Also called: Deafness, autosomal dominant 65; TBC1D24-Related Autosomal Dominant Nonsyndromic Hearing Loss (DFNA). Identifiers: Orphanet 90635, MedGen C3892048, MONDO:0014470, OMIM 616044.
Familial infantile myoclonic epilepsy (FIME). Also called: Epilepsy, Myoclonic, Infantile; TBC1D24-Related Familial Infantile Myoclonic Epilepsy (FIME). Identifiers: Orphanet 352582, MedGen C0917800, MONDO:0011506, OMIM 605021.
Rolandic epilepsy-paroxysmal exercise-induced dystonia-writer's cramp syndrome. Also called: TBC1D24-Related Rolandic Epilepsy with Paroxysmal Exercise-Induced Dystonia and Writer's Cramp (EPRPDC); RE-PED-WC. Identifiers: Orphanet 163727, MedGen C1842531, MONDO:0011970, OMIM 608105.
DOORS syndrome (DOORS). Also called: DRC SYNDROME; BRACHYDACTYLY DUE TO ABSENCE OF DISTAL PHALANGES; ERONEN SYNDROME; DOOR SYNDROME; Digitorenocerebral syndrome; DOORS Syndrome (Deafness, Onychodystrophy, Osteodystrophy, Mental Retardation, and Seizures). Identifiers: Orphanet 3231, Orphanet 79500, MedGen C0795934, MONDO:0009079, OMIM 220500. Disease mechanism: loss of function.
Autosomal recessive nonsyndromic hearing loss 86 (DFNB86). Also called: TBC1D24-Related Autosomal Recessive Nonsyndromic Hearing Loss (DFNB); Deafness , autosomal recessive 86. Identifiers: Orphanet 90636, MedGen C2829265, MONDO:0013826, OMIM 614617.
Developmental and epileptic encephalopathy, 16 (DEE16). Also called: Early infantile epileptic encephalopathy 16; TBC1D24-Related Developmental and Epileptic Encephalopathy (DEE). Identifiers: Orphanet 293181, Orphanet 352596, MedGen C3809173, MONDO:0014133, OMIM 615338.

Allele frequency attached by ClinVar (database versions not stated): TOPMed 0.00002; gnomAD 0.00002; gnomAD exomes 0.00002; ExAC 0.00004.
gnomAD v4.1: 39 of 1,608,830 alleles (0.0024%); highest among the groups gnomAD compares: South Asian, 0.022%; no homozygotes.

Submissions (2):

Labcorp Genetics (formerly Invitae), Labcorp
Classification: Uncertain significance for Developmental and epileptic encephalopathy, 1; Autosomal dominant nonsyndromic hearing loss 65. Last evaluated: 2025-11-25. Review status: criteria provided, single submitter. Criteria: Invitae Variant Classification Sherloc (09022015). Collection method: clinical testing. Allele origin: germline.
Comment: This sequence change replaces alanine, which is neutral and non-polar, with threonine, which is neutral and polar, at codon 465 of the TBC1D24 protein (p.Ala465Thr). This variant is present in population databases (rs745535369, gnomAD 0.007%). This variant has not been reported in the literature in individuals affected with TBC1D24-related conditions. ClinVar contains an entry for this variant (Variation ID: 969480). Invitae Evidence Modeling of protein sequence and biophysical properties (such as structural, functional, and spatial information, amino acid conservation, physicochemical variation, residue mobility, and thermodynamic stability) indicates that this missense variant is not expected to disrupt TBC1D24 protein function with a negative predictive value of 95%. In summary, the available evidence is currently insufficient to determine the role of this variant in disease. Therefore, it has been classified as a Variant of Uncertain Significance.

Fulgent Genetics
Classification: Uncertain significance for DOORS syndrome; Familial infantile myoclonic epilepsy; Rolandic epilepsy-paroxysmal exercise-induced dystonia-writer's cramp syndrome; Autosomal recessive nonsyndromic hearing loss 86; Developmental and epileptic encephalopathy, 16; Autosomal dominant nonsyndromic hearing loss 65. Last evaluated: 2022-05-04. Review status: criteria provided, single submitter. Criteria: ACMG Guidelines, 2015. Collection method: clinical testing. Allele origin: unknown.